The following is an entry in ClinVar:

ClinVar aggregate classification (germline): Pathogenic (1 of 4 stars; one submission).

Conditions:
Nephronophthisis. Also called: Juvenile Nephronophthisis. Identifiers: Orphanet 655, MedGen C0687120, MONDO:0019005, HP:0000090.
Meckel-Gruber syndrome. Also called: DYSENCEPHALIA SPLANCHNOCYSTICA; GRUBER SYNDROME; Dysencephalia splachnocystica. Identifiers: Orphanet 564, MedGen C0265215, MONDO:0018921.
Joubert syndrome. Also called: CEREBELLOPARENCHYMAL DISORDER IV; JOUBERT-BOLTSHAUSER SYNDROME; Familial aplasia of the vermis. Identifiers: Orphanet 475, MedGen C5979921, MONDO:0018772.

Submission:

Labcorp Genetics (formerly Invitae), Labcorp
Classification: Pathogenic for Joubert syndrome; Meckel-Gruber syndrome; Nephronophthisis. Last evaluated: 2022-04-28. Review status: criteria provided, single submitter. Criteria: Invitae Variant Classification Sherloc (09022015). Collection method: clinical testing. Allele origin: germline.
Comment: For these reasons, this variant has been classified as Pathogenic. This variant has not been reported in the literature in individuals affected with CEP290-related conditions. This variant is not present in population databases (gnomAD no frequency). This sequence change creates a premature translational stop signal (p.Ser1387Asnfs*5) in the CEP290 gene. It is expected to result in an absent or disrupted protein product. Loss-of-function variants in CEP290 are known to be pathogenic (PMID: 16909394, 17345604, 20690115).

Literature cited by the submitters: PubMed 16909394; PubMed 17345604; PubMed 20690115.

NM_025114.4(CEP290):c.4160_4164delinsATGAACGTACATAATTTCTGAATATGAA (p.Ser1387_Ser1388delinsAsnGluArgThrTer)

Gene: CEP290 (centrosomal protein 290; minus strand). Cytogenetic location: 12q21.32.
Variant type: Indel.
Coding change: c.4160_4164delinsATGAACGTACATAATTTCTGAATATGAA on transcript NM_025114.4 (MANE Select); coding-DNA positions 4160 to 4164, GCAGT replaced by ATGAACGTACATAATTTCTGAATATGAA.
Protein change: p.Ser1387_Ser1388delinsAsnGluArgThrTer.
Molecular consequence: nonsense.
Genome position (GRCh38, 1-based): chr12:88,087,810-88,087,814, ACTGC replaced by TTCATATTCAGAAATTATGTACGTTCAT on the plus strand (GCAGT replaced by ATGAACGTACATAATTTCTGAATATGAA on the coding strand, the reverse complement: CEP290 is on the minus strand). GRCh37 (hg19): chr12:88,481,587-88,481,591.
Identifiers: ClinVar variation 1451916 (VCV001451916.5), dbSNP rs2137248487, ClinGen allele CA2573149061.
Genomic context (GRCh38, chr12:88,087,810, plus strand): 5'-GAAAAAAATGAAATAAATATAAAATAAAACCTTGTTCTGTTGCACAATTTCTTCTTCAAG[ACTGC>TTCATATTCAGAAATTATGTACGTTCAT]TGATTGTACGTTCATATTCAGAAATTATGTTATTCAAATATTTTATTTCTTCTTTATCCT-3'